The following is an entry in ClinVar:

NM_004239.4(TRIP11):c.763C>T (p.Arg255Ter)

Gene: TRIP11 (thyroid hormone receptor interactor 11; minus strand). Cytogenetic location: 14q32.12.
Variant type: single nucleotide variant.
Coding change: c.763C>T on transcript NM_004239.4 (MANE Select); coding-DNA position 763, C replaced by T.
Protein change: p.Arg255Ter; replaces arginine 255 with a stop codon.
Molecular consequence: nonsense.
Genome position (GRCh38, 1-based): chr14:92,015,756, G>A on the plus strand (C>T on the coding strand, the complement: TRIP11 is on the minus strand). VCF-style: chr14-92015756-G-A. GRCh37 (hg19) VCF-style: chr14-92482100-G-A.
Other names: c.760C>T, p.Arg254Ter (NM_001321851.1); short protein forms R254*, R255*.
Identifiers: ClinVar variation 1251991 (VCV001251991.5), dbSNP rs2140131376, ClinGen allele CA390664677.

ClinVar aggregate classification (germline): Pathogenic. Review status: criteria provided, multiple submitters, no conflicts (2 of 4 stars). 3 submissions from 3 submitters: Pathogenic (2). 1 of the submissions does not count toward it. Last evaluated 2021-06-24.

Conditions:
Achondrogenesis, type IA (ACG1A). Identifiers: Orphanet 932, Orphanet 93299, MedGen C0265273, MONDO:0008701, OMIM 200600.
TRIP11-related disorder. Also called: TRIP11-related condition; TRIP11-Related Disorders.

gnomAD v4.1: 16 of 1,613,358 alleles (0.00099%); highest among the groups gnomAD compares: African/African-American, 0.0027%; no homozygotes.

Submissions (3):

Labcorp Genetics (formerly Invitae), Labcorp
Classification: Pathogenic for Achondrogenesis, type IA. Last evaluated: 2021-06-24. Review status: criteria provided, single submitter. Criteria: Invitae Variant Classification Sherloc (09022015). Collection method: clinical testing. Allele origin: germline.
Comment: This sequence change creates a premature translational stop signal (p.Arg255*) in the TRIP11 gene. It is expected to result in an absent or disrupted protein product. Loss-of-function variants in TRIP11 are known to be pathogenic (PMID: 20089971, 23956106). This variant is not present in population databases (ExAC no frequency). This premature translational stop signal has been observed in individual(s) with achondrogenesis (PMID: 28600779, 29620724). For these reasons, this variant has been classified as Pathogenic.

Blueprint Genetics
Classification: Pathogenic for TRIP11-related disorders. Last evaluated: 2019-06-24. Review status: criteria provided, single submitter. Criteria: ACMG Guidelines, 2015. Collection method: clinical testing. Allele origin: germline. Affected: yes. Observed: 1 variant allele.

Genomic Medicine Center of Excellence, King Faisal Specialist Hospital and Research Centre
Classification: Pathogenic for Achondrogenesis, type IA. Last evaluated: 2021-04-29. Review status: no assertion criteria provided. Collection method: research. Allele origin: germline. Affected: yes. Not counted in ClinVar's aggregate classification.

Literature cited by the submitters: PubMed 20089971 (cited by Labcorp Genetics (formerly Invitae), Labcorp); PubMed 23956106 (cited by Labcorp Genetics (formerly Invitae), Labcorp); PubMed 28600779 (cited by Labcorp Genetics (formerly Invitae), Labcorp); PubMed 29620724 (cited by Labcorp Genetics (formerly Invitae), Labcorp).